The following is an entry in ClinVar:

NM_001267550.2(TTN):c.45883_45884insAA (p.Leu15295fs)

Gene: TTN (titin; minus strand). Cytogenetic location: 2q31.2.
Variant type: Insertion.
Coding change: c.45883_45884insAA on transcript NM_001267550.2 (MANE Select); coding-DNA positions 45883 to 45884, AA inserted.
Protein change: p.Leu15295fs; shifts the reading frame from leucine 15295.
Molecular consequence: frameshift variant.
Genome position: GRCh38 VCF-style: chr2-178620726-A-ATT. GRCh37 (hg19) VCF-style: chr2-179485453-A-ATT.
Other names: c.40960_40961insAA, p.Leu13654fs (NM_001256850.1); c.18688_18689insAA, p.Leu6230fs (NM_003319.4); c.38179_38180insAA, p.Leu12727fs (NM_133378.4); c.19063_19064insAA, p.Leu6355fs (NM_133432.3); c.19264_19265insAA, p.Leu6422fs (NM_133437.4); short protein forms L13654fs, L12727fs, L6355fs, L6422fs, L15295fs, L6230fs.
Identifiers: ClinVar variation 4784917 (VCV004784917.1).

ClinVar aggregate classification (germline): Likely pathogenic (1 of 4 stars; one submission).

Conditions:
Autosomal recessive limb-girdle muscular dystrophy type 2J (LGMDR10). Also called: Limb-girdle muscular dystrophy, type 2J; MUSCULAR DYSTROPHY, LIMB-GIRDLE, AUTOSOMAL RECESSIVE 10. Identifiers: Orphanet 140922, MedGen C1837342, MONDO:0012127, OMIM 608807.
Dilated cardiomyopathy 1G (CMD1G). Identifiers: Orphanet 154, MedGen C1858763, MONDO:0011400, OMIM 604145.

Submission:

Labcorp Genetics (formerly Invitae), Labcorp
Classification: Likely pathogenic for Dilated cardiomyopathy 1G; Autosomal recessive limb-girdle muscular dystrophy type 2J. Last evaluated: 2025-05-05. Review status: criteria provided, single submitter. Criteria: Invitae Variant Classification Sherloc (09022015). Collection method: clinical testing. Allele origin: germline.
Comment: This sequence change creates a premature translational stop signal (p.Leu15295Glnfs*2) in the TTN gene. While this is not anticipated to result in nonsense mediated decay, it is expected to create a truncated TTN protein. This variant is not present in population databases (gnomAD no frequency). This variant has not been reported in the literature in individuals affected with TTN-related conditions. This variant is located in the I band of TTN (PMID: 25589632). Truncating variants in this region have been reported in individuals affected with autosomal recessive centronuclear myopathy (PMID: 23975875, internal data). Truncating variants in this region have also been identified in individuals affected with autosomal dominant dilated cardiomyopathy and/or cardio-related conditions (PMID: 27869827, 32964742, internal data). In summary, the currently available evidence indicates that the variant is pathogenic, but additional data are needed to prove that conclusively. Therefore, this variant has been classified as Likely Pathogenic.

Literature cited by the submitters: PubMed 25589632; PubMed 23975875; PubMed 27869827; PubMed 32964742.